The following is an entry in ClinVar:

ClinVar aggregate classification (germline): Uncertain significance (1 of 4 stars; one submission).

Submission:

Ambry Genetics
Classification: Uncertain significance. Last evaluated: 2025-04-19. Review status: criteria provided, single submitter. Criteria: Ambry Variant Classification Scheme 2023. Collection method: clinical testing. Allele origin: germline.
Comment: The p.A767V variant (also known as c.2300C>T), located in coding exon 8 of the RNF43 gene, results from a C to T substitution at nucleotide position 2300. The alanine at codon 767 is replaced by valine, an amino acid with similar properties. This amino acid position is conserved. In addition, this alteration is predicted to be tolerated by in silico analysis. Based on the available evidence, the clinical significance of this variant remains unclear.

NM_017763.6(RNF43):c.2300C>T (p.Ala767Val)

Gene: RNF43 (ring finger protein 43; minus strand). Cytogenetic location: 17q22.
Variant type: single nucleotide variant.
Coding change: c.2300C>T on transcript NM_017763.6 (MANE Select); coding-DNA position 2300, C replaced by T.
Protein change: p.Ala767Val; replaces alanine 767 with valine.
Molecular consequence: missense variant.
Genome position (GRCh38, 1-based): chr17:58,357,476, G>A on the plus strand (C>T on the coding strand, the complement: RNF43 is on the minus strand). VCF-style: chr17-58357476-G-A. GRCh37 (hg19) VCF-style: chr17-56434837-G-A.
Other names: c.2300C>T, p.Ala767Val (NM_001305544.3); c.1919C>T, p.Ala640Val (NM_001305545.2); short protein forms A640V, A767V.
Identifiers: ClinVar variation 3946866 (VCV003946866.1).